The following is an entry in ClinVar:

ClinVar aggregate classification (germline): Likely benign (1 of 4 stars; one submission).

Allele frequency attached by ClinVar (database versions not stated): 1000 Genomes Project 0.00280; 1000 Genomes Project 30x 0.00281; TOPMed 0.00338; ExAC 0.00549.
gnomAD v4.1: 4,471 of 1,555,460 alleles (0.29%); highest among the groups gnomAD compares: Middle Eastern, 3.8%; 24 homozygotes.

Submissions (9):

CeGaT Center for Human Genetics Tuebingen
Classification: Likely benign. Last evaluated: 2023-03-01. Review status: criteria provided, single submitter. Criteria: CeGaT Center For Human Genetics Tuebingen Variant Classification Criteria Version 2. Collection method: clinical testing. Allele origin: germline. Affected: yes. Observed: 1 variant allele.
Comment: UNC93B1: BS2

Dr. Peter K. Rogan Lab, Western University
No classification provided (evidence only). Condition: Familial cancer of breast. Review status: no classification provided. Collection method: in vitro. Allele origin: not applicable. Functional consequence: cryptic splice site. Not counted in ClinVar's aggregate classification.

Dr. Peter K. Rogan Lab, Western University
No classification provided (evidence only). Condition: Uterine corpus endometrial carcinoma. Review status: no classification provided. Collection method: in vitro. Allele origin: not applicable. Functional consequence: cryptic splice site, retained intron. Not counted in ClinVar's aggregate classification.

Dr. Peter K. Rogan Lab, Western University
No classification provided (evidence only). Condition: Sarcoma. Review status: no classification provided. Collection method: in vitro. Allele origin: not applicable. Functional consequence: cryptic splice site. Not counted in ClinVar's aggregate classification.

Dr. Peter K. Rogan Lab, Western University
No classification provided (evidence only). Condition: Sarcoma. Review status: no classification provided. Collection method: in vitro. Allele origin: not applicable. Functional consequence: cryptic splice site. Not counted in ClinVar's aggregate classification.

Dr. Peter K. Rogan Lab, Western University
No classification provided (evidence only). Condition: Malignant lymphoma, large B-cell, diffuse. Review status: no classification provided. Collection method: in vitro. Allele origin: not applicable. Functional consequence: cryptic splice site, retained intron. Not counted in ClinVar's aggregate classification.

Dr. Peter K. Rogan Lab, Western University
No classification provided (evidence only). Condition: Ovarian serous cystadenocarcinoma. Review status: no classification provided. Collection method: in vitro. Allele origin: not applicable. Functional consequence: retained intron. Not counted in ClinVar's aggregate classification.

Dr. Peter K. Rogan Lab, Western University
No classification provided (evidence only). Condition: Uterine carcinosarcoma. Review status: no classification provided. Collection method: in vitro. Allele origin: not applicable. Functional consequence: cryptic splice site, retained intron. Not counted in ClinVar's aggregate classification.

Dr. Peter K. Rogan Lab, Western University
No classification provided (evidence only). Condition: Malignant tumor of esophagus. Review status: no classification provided. Collection method: in vitro. Allele origin: not applicable. Functional consequence: cryptic splice site. Not counted in ClinVar's aggregate classification.

NM_030930.4(UNC93B1):c.555-78G>T

Gene: UNC93B1 (unc-93B1 regulator of TLR signaling; minus strand). Cytogenetic location: 11q13.2.
Variant type: single nucleotide variant.
Coding change: c.555-78G>T on transcript NM_030930.4 (MANE Select); 78 bases into the intron before coding-DNA position 555, G replaced by T.
Molecular consequence: intron variant.
Genome position (GRCh38, 1-based): chr11:67,999,383, C>A on the plus strand (G>T on the coding strand, the complement: UNC93B1 is on the minus strand). VCF-style: chr11-67999383-C-A. GRCh37 (hg19) VCF-style: chr11-67766853-C-A.
Other names: NC_000011.9:g.67766853C>A.
Identifiers: ClinVar variation 2642026 (VCV002642026.25), dbSNP rs146648117, ClinGen allele CA6145622.